The following is an entry in ClinVar:

ClinVar aggregate classification (germline): Pathogenic (1 of 4 stars; one submission).

Submission:

GeneDx
Classification: Pathogenic. Last evaluated: 2013-07-29. Review status: criteria provided, single submitter. Criteria: GeneDx Variant Classification (06012015). Collection method: clinical testing. Allele origin: germline. Affected: yes.
Comment: c.274delG: p.Glu92AsnfsX4 (E92Nfsx4) in exon 4 of the UQCRB gene (NM_006294.3). The normal sequence with the base that is deleted in braces is: CCTT{delG}AACC. The c.274delG mutation in the UQCRB gene causes a frameshift starting with codon Glutamic acid 92, changes this amino acid to an Asparagine residue and creates a Stop codon at position 3 of the new reading frame, denoted p.Glu93AsnfsX4. This mutation is predicted to cause loss of normal protein function through protein truncation. Although this mutation has not been previously reported to our knowledge, it is considered to be a disease-causing mutation. The variant is found in MITONUC-MITOP panel(s).

NM_006294.5(UQCRB):c.274del (p.Glu92fs)

Gene: UQCRB (ubiquinol-cytochrome c reductase binding protein; minus strand). Cytogenetic location: 8q22.1.
Variant type: Deletion.
Coding change: c.274del on transcript NM_006294.5 (MANE Select); coding-DNA position 274, one base deleted (G; older notation c.274delG).
Protein change: p.Glu92fs; shifts the reading frame from glutamic acid 92.
Molecular consequence: frameshift variant. On other transcripts: non-coding transcript variant (1).
Genome position (GRCh38, 1-based): chr8:96,231,117, C deleted on the plus strand (G on the coding strand, the reverse complement: UQCRB is on the minus strand). VCF-style (leftmost placement, unchanged base first): chr8-96231116-TC-T. GRCh37 (hg19) VCF-style: chr8-97243344-TC-T.
Other names: c.178del, p.Glu60fs (NM_001199975.3); c.411del, p.Asn138fs (NM_001254752.2); short protein forms E60fs, E92fs, N138fs.
Identifiers: ClinVar variation 215348 (VCV000215348.1), dbSNP rs863224259, ClinGen allele CA323158.